The following is an entry in ClinVar:

ClinVar aggregate classification (germline): Pathogenic (1 of 4 stars; one submission).

Conditions:
EPILEPSY, CHILDHOOD ABSENCE, SUSCEPTIBILITY TO, 2 (ECA2). Identifiers: Orphanet 64280, MedGen C1843244, OMIM 607681.
Febrile seizures, familial, 8 (FEB8). Also called: CONVULSIONS, FAMILIAL FEBRILE, 8. Identifiers: Orphanet 36387, MedGen C1969810, MONDO:0011891, OMIM 607681.

Submission:

Labcorp Genetics (formerly Invitae), Labcorp
Classification: Pathogenic for Febrile seizures, familial, 8; EPILEPSY, CHILDHOOD ABSENCE, SUSCEPTIBILITY TO, 2. Last evaluated: 2023-08-16. Review status: criteria provided, single submitter. Criteria: Invitae Variant Classification Sherloc (09022015). Collection method: clinical testing. Allele origin: germline.
Comment: This variant is not present in population databases (gnomAD no frequency). This sequence change creates a premature translational stop signal (p.Ile218Metfs*7) in the GABRG2 gene. It is expected to result in an absent or disrupted protein product. Loss-of-function variants in GABRG2 are known to be pathogenic (PMID: 22539854, 22750526, 24407264). This variant has not been reported in the literature in individuals affected with GABRG2-related conditions. For these reasons, this variant has been classified as Pathogenic.

Literature cited by the submitters: PubMed 22539854; PubMed 22750526; PubMed 24407264.

NM_198904.4(GABRG2):c.654_664del (p.Ile218fs)

Gene: GABRG2 (gamma-aminobutyric acid type A receptor subunit gamma2; plus strand). Cytogenetic location: 5q34.
Variant type: Deletion.
Coding change: c.654_664del on transcript NM_198904.4 (MANE Select); coding-DNA positions 654 to 664, 11 bases deleted (TGTTTATCAAT).
Protein change: p.Ile218fs; shifts the reading frame from isoleucine 218.
Molecular consequence: frameshift variant.
Genome position (GRCh38, 1-based): chr5:162,103,911-162,103,921, TGTTTATCAAT deleted; deleting any 11 consecutive bases within chr5:162,103,908-162,103,921 gives the same sequence; the c. name uses the placement nearest the transcript's 3' end. VCF-style (leftmost placement, unchanged base first): chr5-162103907-AAATTGTTTATC-A. GRCh37 (hg19) VCF-style: chr5-161530913-AAATTGTTTATC-A.
Other names: c.654_664del, p.Ile218fs (NM_000816.3, NM_001375340.1, NM_001375341.1 and 2 more transcripts); c.645_655del, p.Ile215fs (NM_001375339.1); c.774_784del, p.Ile258fs (NM_001375343.1, NM_198903.2); c.588_598del, p.Ile196fs (NM_001375345.1, NM_001375346.1); c.567_577del, p.Ile189fs (NM_001375347.1); c.234_244del, p.Ile78fs (NM_001375348.1, NM_001375350.1); c.369_379del, p.Ile123fs (NM_001375349.1); short protein forms I215fs, I218fs, I258fs, I78fs, I123fs, I189fs, I196fs.
Identifiers: ClinVar variation 2951015 (VCV002951015.3), dbSNP rs2532592325, ClinGen allele CA2740094171.
Genomic context (GRCh38, chr5:162,103,907, plus strand): 5'-TTTATAATCATTTTTAATGTGAGCTTTCCTATCTCACGGCAGATGGCTATCCACGTGAAG[AAATTGTTTATC>A]AATGGAAGCGAAGTTCTGTTGAAGTGGGCGACACAAGATCCTGGAGGCTTTATCAATTCT-3'